The following is an entry in ClinVar:

ClinVar aggregate classification (germline): Likely benign (0 of 4 stars; one submission).

Conditions:
ALDOB-related disorder. Also called: ALDOB-related condition.

Submission:

PreventionGenetics, part of Exact Sciences
Classification: Likely benign for ALDOB-related condition. Last evaluated: 2024-08-19. Review status: no assertion criteria provided. Collection method: clinical testing. Allele origin: germline.
Comment: This variant is classified as likely benign based on ACMG/AMP sequence variant interpretation guidelines (Richards et al. 2015 PMID: 25741868, with internal and published modifications).

NC_000009.12:g.101435784T>C

Gene: ALDOB (aldolase, fructose-bisphosphate B; minus strand). Cytogenetic location: 9q31.1.
Variant type: single nucleotide variant.
Genome position: GRCh38 VCF-style: chr9-101435784-T-C. GRCh37 (hg19) VCF-style: chr9-104198066-T-C.
Identifiers: ClinVar variation 3347863 (VCV003347863.1).
Genomic context (GRCh38, chr9:101,435,784, plus strand): 5'-AGTCCTCCTAGATATCAAAAGCTGTGGGTGAGGCAGCAGCTGCCAAATAAGACAGATCTT[T>C]GGTAGCACACAATTTTTATAGACTTCTCATCATGTTTTTTTTTTCCAATATTTGCCCTCC-3'